The following is an entry in ClinVar:

NM_003922.4(HERC1):c.6742A>G (p.Ile2248Val)

Gene: HERC1 (HECT and RLD domain containing E3 ubiquitin protein ligase family member 1; minus strand). Cytogenetic location: 15q22.31.
Variant type: single nucleotide variant.
Coding change: c.6742A>G on transcript NM_003922.4 (MANE Select); coding-DNA position 6742, A replaced by G.
Protein change: p.Ile2248Val; replaces isoleucine 2248 with valine.
Molecular consequence: missense variant.
Genome position (GRCh38, 1-based): chr15:63,678,173, T>C on the plus strand (A>G on the coding strand, the complement: HERC1 is on the minus strand). VCF-style: chr15-63678173-T-C. GRCh37 (hg19) VCF-style: chr15-63970372-T-C.
Other names: short protein forms I2248V.
Identifiers: ClinVar variation 1900426 (VCV001900426.5), dbSNP rs952488584, ClinGen allele CA272099946.
Genomic context (GRCh38, chr15:63,678,173, plus strand): 5'-CATTTTCCTCTCGGCTCTGAACCGAGCGGCTTTTCTTTAGCTTCTGACCTGACTCTTTAA[T>C]ACATATCTTAATTTTGTGAAGCCTTTCCATCATTTTTTTGTTAATGCAGTAAGTCCAACG-3'
Protein context (NP_003913.3, residues 2238-2258): MERLHKIKIC[Ile2248Val]KESGQKLKKS

ClinVar aggregate classification (germline): Uncertain significance (1 of 4 stars; one submission).

gnomAD v4.1: 2 of 1,613,840 alleles (0.00012%); highest among the groups gnomAD compares: South Asian, 0.0011%; no homozygotes.

Submission:

Labcorp Genetics (formerly Invitae), Labcorp
Classification: Uncertain significance. Last evaluated: 2022-08-09. Review status: criteria provided, single submitter. Criteria: Invitae Variant Classification Sherloc (09022015). Collection method: clinical testing. Allele origin: germline.
Comment: This sequence change replaces isoleucine, which is neutral and non-polar, with valine, which is neutral and non-polar, at codon 2248 of the HERC1 protein (p.Ile2248Val). In summary, the available evidence is currently insufficient to determine the role of this variant in disease. Therefore, it has been classified as a Variant of Uncertain Significance. Algorithms developed to predict the effect of missense changes on protein structure and function output the following: SIFT: "Tolerated"; PolyPhen-2: "Benign"; Align-GVGD: "Class C15". The valine amino acid residue is found in multiple mammalian species, which suggests that this missense change does not adversely affect protein function. This variant has not been reported in the literature in individuals affected with HERC1-related conditions. This variant is not present in population databases (gnomAD no frequency).